The following is an entry in ClinVar:

NM_182607.5(VSIG1):c.953C>T (p.Pro318Leu)

Gene: VSIG1 (V-set and immunoglobulin domain containing 1; plus strand). Cytogenetic location: Xq22.3.
Variant type: single nucleotide variant.
Coding change: c.953C>T on transcript NM_182607.5 (MANE Select); coding-DNA position 953, C replaced by T.
Protein change: p.Pro318Leu; replaces proline 318 with leucine.
Molecular consequence: missense variant.
Genome position (GRCh38, 1-based): chrX:108,077,170, C>T. VCF-style: chrX-108077170-C-T. GRCh37 (hg19) VCF-style: chrX-107320400-C-T.
Other names: c.1061C>T, p.Pro354Leu (NM_001170553.2); short protein forms P318L, P354L.
Identifiers: ClinVar variation 2661159 (VCV002661159.24), dbSNP rs199780030, ClinGen allele CA10486626.

ClinVar aggregate classification (germline): Likely benign (1 of 4 stars; one submission).

Allele frequency attached by ClinVar (database versions not stated): gnomAD exomes 0.00012; TOPMed 0.00014; gnomAD 0.00015; ExAC 0.00038; 1000 Genomes Project 30x 0.00062; 1000 Genomes Project 0.00079.
gnomAD v4.1: 158 of 1,210,413 alleles (0.013%); highest among the groups gnomAD compares: East Asian, 0.43%; no homozygotes.

Submission:

CeGaT Center for Human Genetics Tuebingen
Classification: Likely benign. Last evaluated: 2022-11-01. Review status: criteria provided, single submitter. Criteria: CeGaT Center For Human Genetics Tuebingen Variant Classification Criteria Version 2. Collection method: clinical testing. Allele origin: germline. Affected: yes. Observed: 1 variant allele.
Comment: VSIG1: BP4, BS2